The following is an entry in ClinVar:

ClinVar aggregate classification (germline): Conflicting classifications of pathogenicity. Review status: criteria provided, conflicting classifications (1 of 4 stars). 9 submissions from 9 submitters: Uncertain significance (1); Benign (2); Likely benign (5). 1 of the submissions does not count toward it. Last evaluated 2026-07-01.

Conditions:
Heterotopia, periventricular, X-linked dominant (PVNH1). Also called: PERIVENTRICULAR NODULAR HETEROTOPIA 4; HETEROTOPIA, PERIVENTRICULAR, 1; PERIVENTRICULAR NODULAR HETEROTOPIA 1; X-linked periventricular heterotopia. Identifiers: Orphanet 2149, Orphanet 82004, MedGen C1848213, MONDO:0010233, OMIM 300049.
Oto-palato-digital syndrome, type II (OPD2). Also called: Otopalatodigital Syndrome, Type II; Otopalatodigital Syndrome Type 2 (FLNA-OPD2); FACIOPALATOOSSEOUS SYNDROME; OPD II SYNDROME. Identifiers: Orphanet 669, Orphanet 90652, MedGen C1844696, MONDO:0010571, OMIM 304120.
Frontometaphyseal dysplasia (FMD1). Identifiers: Orphanet 1826, MedGen C0265293, MONDO:0015942.
Melnick-Needles syndrome (MNS). Also called: Melnick-Needles Syndrome (FLNA-MNS); OSTEODYSPLASTY OF MELNICK AND NEEDLES; MELNICK-NEEDLES OSTEODYSPLASTY. Identifiers: Orphanet 2484, MedGen C0025237, MONDO:0010650, OMIM 309350.
Familial thoracic aortic aneurysm and aortic dissection (TAAD). Also called: Thoracic aortic aneurysms and dissections. Identifiers: Orphanet 91387, MedGen C4707243, MONDO:0019625.

Allele frequency attached by ClinVar (database versions not stated): gnomAD 0.00004 and 0.00006; TOPMed 0.00009; gnomAD exomes 0.00021 and 0.00036; ExAC 0.00046.

Submissions (9):

CeGaT Center for Human Genetics Tuebingen
Classification: Likely benign. Last evaluated: 2026-07-01. Review status: criteria provided, single submitter. Criteria: CeGaT Center For Human Genetics Tuebingen Variant Classification Criteria Version 2. Collection method: clinical testing. Allele origin: germline. Affected: yes. Observed: 2 variant alleles.
Comment: FLNA: BS2

Labcorp Genetics (formerly Invitae), Labcorp
Classification: Benign for Oto-palato-digital syndrome, type II; Heterotopia, periventricular, X-linked dominant; Frontometaphyseal dysplasia; Melnick-Needles syndrome. Last evaluated: 2025-09-21. Review status: criteria provided, single submitter. Criteria: Invitae Variant Classification Sherloc (09022015). Collection method: clinical testing. Allele origin: germline.

Mayo Clinic Laboratories, Mayo Clinic
Classification: Likely benign. Last evaluated: 2023-11-17. Review status: criteria provided, single submitter. Criteria: ACMG Guidelines, 2015. Collection method: clinical testing. Allele origin: germline. Observed: 3 variant alleles.
Comment: BS2, PM1_supporting

Blueprint Genetics
Classification: Likely benign. Last evaluated: 2023-09-28. Review status: criteria provided, single submitter. Criteria: ACMG Guidelines, 2015. Collection method: clinical testing. Allele origin: germline.

GeneDx
Classification: Likely benign. Last evaluated: 2020-12-14. Review status: criteria provided, single submitter. Criteria: GeneDx Variant Classification Process June 2021. Collection method: clinical testing. Allele origin: germline. Affected: yes.
Comment: This variant is associated with the following publications: (PMID: 20598277, 28454995)

Ambry Genetics
Classification: Likely benign for Familial thoracic aortic aneurysm and aortic dissection. Last evaluated: 2019-07-02. Review status: criteria provided, single submitter. Criteria: Ambry Variant Classification Scheme 2023. Collection method: clinical testing. Allele origin: germline.

Eurofins Ntd Llc (ga)
Classification: Benign. Last evaluated: 2017-01-20. Review status: criteria provided, single submitter. Criteria: EGL Classification Definitions 2015. Collection method: clinical testing. Allele origin: germline. Observed: 1 variant allele, 1 heterozygote.

Genetic Services Laboratory, University of Chicago
Classification: Uncertain significance. Last evaluated: 2015-11-17. Review status: criteria provided, single submitter. Criteria: ACMG Guidelines, 2015. Collection method: clinical testing. Allele origin: germline. Affected: no.

Biochemical Molecular Genetic Laboratory, King Abdulaziz Medical City
Classification: Likely pathogenic for Heterotopia, periventricular, X-linked dominant. Last evaluated: 2019-09-26. Review status: no assertion criteria provided. Collection method: clinical testing. Allele origin: germline. Affected: yes. Not counted in ClinVar's aggregate classification.

Literature cited by the submitters: PubMed 28454995 (cited by Ambry Genetics).

NM_001110556.2(FLNA):c.4232C>T (p.Ser1411Leu)

Gene: FLNA (filamin A; minus strand). Cytogenetic location: Xq28.
Variant type: single nucleotide variant.
Coding change: c.4232C>T on transcript NM_001110556.2 (MANE Select); coding-DNA position 4232, C replaced by T.
Protein change: p.Ser1411Leu; replaces serine 1411 with leucine.
Molecular consequence: missense variant.
Genome position (GRCh38, 1-based): chrX:154,359,317, G>A on the plus strand (C>T on the coding strand, the complement: FLNA is on the minus strand). VCF-style: chrX-154359317-G-A. GRCh37 (hg19) VCF-style: chrX-153587685-G-A.
Other names: p.Ser1411Leu; c.4232C>T, p.Ser1411Leu (NM_001456.4); short protein forms S1411L.
Identifiers: ClinVar variation 435207 (VCV000435207.37), dbSNP rs782426283, ClinGen allele CA10560569.